The following is an entry in ClinVar:

ClinVar aggregate classification (germline): Uncertain significance (1 of 4 stars; one submission).

Conditions:
Spongy degeneration of central nervous system. Also called: ACY2 DEFICIENCY; AMINOACYLASE 2 DEFICIENCY; ASP DEFICIENCY; ASPA DEFICIENCY; ASPARTOACYLASE DEFICIENCY; CANAVAN-VAN BOGAERT-BERTRAND DISEASE. Identifiers: Orphanet 141, MedGen C0206307, MONDO:0010079, OMIM 271900.

Allele frequency attached by ClinVar (database versions not stated): gnomAD 0.00001; gnomAD exomes below 0.00001; ExAC 0.00001; TOPMed 0.00003.

Submission:

Labcorp Genetics (formerly Invitae), Labcorp
Classification: Uncertain significance for Spongy degeneration of central nervous system. Last evaluated: 2022-03-29. Review status: criteria provided, single submitter. Criteria: Invitae Variant Classification Sherloc (09022015). Collection method: clinical testing. Allele origin: germline.
Comment: This sequence change replaces glycine, which is neutral and non-polar, with alanine, which is neutral and non-polar, at codon 258 of the ASPA protein (p.Gly258Ala). This variant is present in population databases (rs773153121, gnomAD 0.007%). This variant has not been reported in the literature in individuals affected with ASPA-related conditions. Advanced modeling of protein sequence and biophysical properties (such as structural, functional, and spatial information, amino acid conservation, physicochemical variation, residue mobility, and thermodynamic stability) performed at Invitae indicates that this missense variant is expected to disrupt ASPA protein function. In summary, the available evidence is currently insufficient to determine the role of this variant in disease. Therefore, it has been classified as a Variant of Uncertain Significance.

NM_000049.4(ASPA):c.773G>C (p.Gly258Ala)

Genes: ASPA (aspartoacylase; plus strand), SPATA22 (spermatogenesis associated 22; minus strand). Cytogenetic location: 17p13.2.
Variant type: single nucleotide variant.
Coding change: c.773G>C on transcript NM_000049.4 (MANE Select); coding-DNA position 773, G replaced by C.
Protein change: p.Gly258Ala; replaces glycine 258 with alanine.
Molecular consequence: missense variant. On other transcripts: intron variant (2).
Genome position (GRCh38, 1-based): chr17:3,498,919, G>C. VCF-style: chr17-3498919-G-C. GRCh37 (hg19) VCF-style: chr17-3402213-G-C.
Other names: c.773G>C, p.Gly258Ala (NM_001128085.1); c.-74+14493C>G (NM_001321336.2, NM_001321337.2); short protein forms G258A.
Identifiers: ClinVar variation 2141768 (VCV002141768.1), dbSNP rs773153121, ClinGen allele CA8289037.